The following is an entry in ClinVar:

ClinVar aggregate classification (germline): Benign. Review status: criteria provided, multiple submitters, no conflicts (2 of 4 stars). 4 submissions from 4 submitters: Benign (4). Last evaluated 2025-12-19.

Conditions:
Inborn genetic diseases. Identifiers: MedGen C0950123, MeSH D030342.
Rafiq syndrome (RAFQS). Identifiers: Orphanet 88616, MedGen C3280127, MONDO:0013624, OMIM 614202.

Allele frequency attached by ClinVar (database versions not stated): 1000 Genomes Project 0.00339; gnomAD 0.00344; 1000 Genomes Project 30x 0.00359; TOPMed 0.00388; ESP Exome Variant Server 0.00431.

Submissions (4):

Labcorp Genetics (formerly Invitae), Labcorp
Classification: Benign for Rafiq syndrome. Last evaluated: 2025-12-19. Review status: criteria provided, single submitter. Criteria: Invitae Variant Classification Sherloc (09022015). Collection method: clinical testing. Allele origin: germline.

CeGaT Center for Human Genetics Tuebingen
Classification: Benign. Last evaluated: 2022-12-01. Review status: criteria provided, single submitter. Criteria: CeGaT Center For Human Genetics Tuebingen Variant Classification Criteria Version 2. Collection method: clinical testing. Allele origin: germline. Affected: yes. Observed: 1 variant allele.
Comment: MAN1B1: BS1, BS2

Illumina Laboratory Services, Illumina
Classification: Benign for Rafiq syndrome. Last evaluated: 2018-01-12. Review status: criteria provided, single submitter. Criteria: ICSL Variant Classification Criteria 13 December 2019. Collection method: clinical testing. Allele origin: germline.
Comment: This variant was observed in the ICSL laboratory as part of a predisposition screen in an ostensibly healthy population. It had not been previously curated by ICSL or reported in the Human Gene Mutation Database (HGMD: prior to June 1st, 2018), and was therefore a candidate for classification through an automated scoring system. Utilizing variant allele frequency, disease prevalence and penetrance estimates, and inheritance mode, an automated score was calculated to assess if this variant is too frequent to cause the disease. Based on the score and internal cut-off values, a variant classified as benign is not then subjected to further curation. The score for this variant resulted in a classification of benign for this disease.

Ambry Genetics
Classification: Benign for Inborn genetic diseases. Last evaluated: 2016-12-16. Review status: criteria provided, single submitter. Criteria: Ambry Variant Classification Scheme 2023. Collection method: clinical testing. Allele origin: germline.

NM_016219.5(MAN1B1):c.1905G>T (p.Ser635=)

Gene: MAN1B1 (mannosidase alpha class 1B member 1; plus strand). Cytogenetic location: 9q34.3.
Variant type: single nucleotide variant.
Coding change: c.1905G>T on transcript NM_016219.5 (MANE Select); coding-DNA position 1905, G replaced by T.
Protein change: p.Ser635=; no amino-acid change (serine 635 retained).
Molecular consequence: synonymous variant. On other transcripts: non-coding transcript variant (2).
Genome position (GRCh38, 1-based): chr9:137,108,396, G>T. VCF-style: chr9-137108396-G-T. GRCh37 (hg19) VCF-style: chr9-140002848-G-T.
Identifiers: ClinVar variation 365974 (VCV000365974.43), dbSNP rs114484315, ClinGen allele CA5359517.